The following is an entry in ClinVar:

NM_000722.4(CACNA2D1):c.831C>G (p.Ser277=)

Gene: CACNA2D1 (calcium voltage-gated channel auxiliary subunit alpha2delta 1; minus strand). Cytogenetic location: 7q21.11.
Variant type: single nucleotide variant.
Coding change: c.831C>G on transcript NM_000722.4 (MANE Select); coding-DNA position 831, C replaced by G.
Protein change: p.Ser277=; no amino-acid change (serine 277 retained).
Molecular consequence: synonymous variant.
Genome position (GRCh38, 1-based): chr7:82,060,476, G>C on the plus strand (C>G on the coding strand, the complement: CACNA2D1 is on the minus strand). VCF-style: chr7-82060476-G-C. GRCh37 (hg19) VCF-style: chr7-81689792-G-C.
Other names: c.831C>G, p.Ser277= (NM_001302890.2, NM_001366867.1); c.831C>G (LRG_437t1).
Identifiers: ClinVar variation 518555 (VCV000518555.19), dbSNP rs144936173, ClinGen allele CA4318210.
Genomic context (GRCh38, chr7:82,060,476, plus strand): 5'-TCTTATACTTACTGAAGCTACATTCACGAAATCATCATCTGAGAGGGTTTCTAACATTTC[G>C]GAGACAGATGTTCGGATCAGTTTAAGTGTCAATCCACTAACACTTCCACTCCTAGAAATA-3'
Protein context (NP_000713.2, residues 267-287): LTLKLIRTSV[Ser277=]EMLETLSDDD

ClinVar aggregate classification (germline): Benign/Likely benign. Review status: criteria provided, multiple submitters, no conflicts (2 of 4 stars). 4 submissions from 4 submitters: Benign (1); Likely benign (2). 1 of the submissions does not count toward it. Last evaluated 2025-11-26.

Conditions:
Cardiovascular phenotype. Identifiers: MedGen CN230736.
Brugada syndrome. Also called: Sudden unexplained nocturnal death syndrome; Sudden unexpected nocturnal death syndrome; Sudden Unexplained Death Syndrome; Sudden Unexplained Nocturnal Death Syndrome (SUNDS). Identifiers: Orphanet 130, MedGen C1142166, MONDO:0015263.
CACNA2D1-related disorder. Also called: CACNA2D1-related condition.

Allele frequency attached by ClinVar (database versions not stated): ESP Exome Variant Server 0.00038; 1000 Genomes Project 30x 0.00047; 1000 Genomes Project 0.00060; TOPMed 0.00071.
gnomAD v4.1: 196 of 1,609,488 alleles (0.012%); highest among the groups gnomAD compares: African/African-American, 0.21%; no homozygotes.

Submissions (4):

Labcorp Genetics (formerly Invitae), Labcorp
Classification: Benign for Brugada syndrome. Last evaluated: 2025-11-26. Review status: criteria provided, single submitter. Criteria: Invitae Variant Classification Sherloc (09022015). Collection method: clinical testing. Allele origin: germline.

GeneDx
Classification: Likely benign. Last evaluated: 2020-10-05. Review status: criteria provided, single submitter. Criteria: GeneDx Variant Classification Process June 2021. Collection method: clinical testing. Allele origin: germline. Affected: yes.

Ambry Genetics
Classification: Likely benign for Cardiovascular phenotype. Last evaluated: 2016-01-15. Review status: criteria provided, single submitter. Criteria: Ambry Variant Classification Scheme 2023. Collection method: clinical testing. Allele origin: germline.

PreventionGenetics, part of Exact Sciences
Classification: Likely benign for CACNA2D1-related condition. Last evaluated: 2019-07-13. Review status: no assertion criteria provided. Collection method: clinical testing. Allele origin: germline. Not counted in ClinVar's aggregate classification.
Comment: This variant is classified as likely benign based on ACMG/AMP sequence variant interpretation guidelines (Richards et al. 2015 PMID: 25741868, with internal and published modifications).